The following is an entry in ClinVar:

ClinVar aggregate classification (germline): Uncertain significance (1 of 4 stars; one submission).

Conditions:
Salla disease (SD). Also called: Sialuria, Finnish type; N-acetylneuraminic acid (NANA) storage disease (NSD); Infantile sialic acid storage disorder (ISSD); Less Severe FSASD (Salla Disease). Identifiers: Orphanet 309334, Orphanet 834, MedGen C1096903, MONDO:0011449, OMIM 604369.

gnomAD v4.1: 1 of 1,603,468 alleles (0.000062%); highest among the groups gnomAD compares: Admixed American, 0.0017%; no homozygotes.

Submission:

Labcorp Genetics (formerly Invitae), Labcorp
Classification: Uncertain significance for Salla disease. Last evaluated: 2021-07-02. Review status: criteria provided, single submitter. Criteria: Invitae Variant Classification Sherloc (09022015). Collection method: clinical testing. Allele origin: germline.
Comment: In summary, the available evidence is currently insufficient to determine the role of this variant in disease. Therefore, it has been classified as a Variant of Uncertain Significance. Algorithms developed to predict the effect of missense changes on protein structure and function are either unavailable or do not agree on the potential impact of this missense change (SIFT: "Deleterious"; PolyPhen-2: "Benign"; Align-GVGD: "Class C0"). This variant has not been reported in the literature in individuals affected with SLC17A5-related conditions. This variant is not present in population databases (ExAC no frequency). This sequence change replaces threonine with serine at codon 227 of the SLC17A5 protein (p.Thr227Ser). The threonine residue is highly conserved and there is a small physicochemical difference between threonine and serine.

NM_012434.5(SLC17A5):c.680C>G (p.Thr227Ser)

Gene: SLC17A5 (solute carrier family 17 member 5; minus strand). Cytogenetic location: 6q13.
Variant type: single nucleotide variant.
Coding change: c.680C>G on transcript NM_012434.5 (MANE Select); coding-DNA position 680, C replaced by G.
Protein change: p.Thr227Ser; replaces threonine 227 with serine.
Molecular consequence: missense variant. On other transcripts: intron variant (2).
Genome position (GRCh38, 1-based): chr6:73,636,641, G>C on the plus strand (C>G on the coding strand, the complement: SLC17A5 is on the minus strand). VCF-style: chr6-73636641-G-C. GRCh37 (hg19) VCF-style: chr6-74346364-G-C.
Other names: c.449C>G, p.Thr150Ser (NM_001382629.1); c.680C>G, p.Thr227Ser (NM_001382630.1, NM_001382633.1, NM_001382634.1); c.701C>G, p.Thr234Ser (NM_001382631.1); c.677C>G, p.Thr226Ser (NM_001382635.1); c.383-1141C>G (NM_001382636.1); c.614-1141C>G (NM_001382632.1); short protein forms T226S, T227S, T234S, T150S.
Identifiers: ClinVar variation 1359489 (VCV001359489.8), dbSNP rs2150113556, ClinGen allele CA364716471.